The following is an entry in ClinVar:

ClinVar aggregate classification (germline): Uncertain significance (1 of 4 stars; one submission).

gnomAD v4.1: 1 of 1,208,321 alleles (0.000083%); highest among the groups gnomAD compares: Admixed American, 0.0022%; no homozygotes.

Submission:

GeneDx
Classification: Uncertain significance. Last evaluated: 2025-09-13. Review status: criteria provided, single submitter. Criteria: GeneDx Variant Classification Process June 2021. Collection method: clinical testing. Allele origin: germline. Affected: yes.
Comment: Not observed at significant frequency in large population cohorts (gnomAD); In silico analysis suggests that this missense variant does not alter protein structure/function; Has not been previously published as pathogenic or benign to our knowledge

NM_001323289.2(CDKL5):c.1406A>C (p.Tyr469Ser)

Gene: CDKL5 (cyclin dependent kinase like 5; plus strand). Cytogenetic location: Xp22.13.
Variant type: single nucleotide variant.
Coding change: c.1406A>C on transcript NM_001323289.2 (MANE Select); coding-DNA position 1406, A replaced by C.
Protein change: p.Tyr469Ser; replaces tyrosine 469 with serine.
Molecular consequence: missense variant.
Genome position (GRCh38, 1-based): chrX:18,604,330, A>C. VCF-style: chrX-18604330-A-C. GRCh37 (hg19) VCF-style: chrX-18622450-A-C.
Other names: c.1406A>C, p.Tyr469Ser (NM_001037343.2, NM_003159.3); short protein forms Y469S.
Identifiers: ClinVar variation 1878698 (VCV001878698.2), dbSNP rs1926278860, ClinGen allele CA412360769.